The following is an entry in ClinVar:

ClinVar aggregate classification (germline): Uncertain significance (1 of 4 stars; one submission).

gnomAD v4.1: 1 of 1,613,880 alleles (0.000062%); no homozygotes.

Submission:

Dasa
Classification: Uncertain significance. Last evaluated: 2026-01-13. Review status: criteria provided, single submitter. Criteria: DASA Assertion Criteria. Collection method: clinical testing. Allele origin: germline.
Comment: NM_003705.5(SLC25A12):c.148C>T (p.Pro50Ser) is a missense variant that results in the substitution of proline with serine. This variant has been observed in affected individuals with SLC25A12-related disorders. Also, this variant is rare in population databases. Computational prediction algorithms are consistent with a benign effect. The currently available literature and clinical evidence are not sufficient to establish a definitive association between this variant and the reported condition. Therefore, this variant is classified as a variant of uncertain significance.

NM_003705.5(SLC25A12):c.148C>T (p.Pro50Ser)

Gene: SLC25A12 (solute carrier family 25 member 12; minus strand). Cytogenetic location: 2q31.1.
Variant type: single nucleotide variant.
Coding change: c.148C>T on transcript NM_003705.5 (MANE Select); coding-DNA position 148, C replaced by T.
Protein change: p.Pro50Ser; replaces proline 50 with serine.
Molecular consequence: missense variant. On other transcripts: non-coding transcript variant (1).
Genome position (GRCh38, 1-based): chr2:171,868,742, G>A on the plus strand (C>T on the coding strand, the complement: SLC25A12 is on the minus strand). VCF-style: chr2-171868742-G-A. GRCh37 (hg19) VCF-style: chr2-172725252-G-A.
Other names: short protein forms P50S.
Identifiers: ClinVar variation 4881954 (VCV004881954.2).